The following is an entry in ClinVar:

NM_003482.4(KMT2D):c.13750C>T (p.Pro4584Ser)

Gene: KMT2D (lysine methyltransferase 2D; minus strand). Cytogenetic location: 12q13.12.
Variant type: single nucleotide variant.
Coding change: c.13750C>T on transcript NM_003482.4 (MANE Select); coding-DNA position 13750, C replaced by T.
Protein change: p.Pro4584Ser; replaces proline 4584 with serine.
Molecular consequence: missense variant.
Genome position (GRCh38, 1-based): chr12:49,030,690, G>A on the plus strand (C>T on the coding strand, the complement: KMT2D is on the minus strand). VCF-style: chr12-49030690-G-A. GRCh37 (hg19) VCF-style: chr12-49424473-G-A.
Other names: short protein forms P4584S.
Identifiers: ClinVar variation 2799033 (VCV002799033.3), dbSNP rs2120406857, ClinGen allele CA384702344.
Genomic context (GRCh38, chr12:49,030,690, plus strand): 5'-GGCCAGTGGGCAGCGCCCCACTTCCAAAGGCCCCCCTCAGCTGGCTCTGCCCATTGACTG[G>A]GCAGCCACTGCCAAAGGGGGCAAAGAGGCTAAAATTGGCGGTGATAGCAGGCTCCGTTAG-3'
Protein context (NP_003473.3, residues 4574-4594): SLFAPFGSGC[Pro4584Ser]VNGQSQLRGA

ClinVar aggregate classification (germline): Uncertain significance (1 of 4 stars; one submission).

Conditions:
Kabuki syndrome. Also called: Kabuki make-up syndrome; NIIKAWA-KUROKI SYNDROME. Identifiers: Orphanet 2322, MedGen C0796004, MONDO:0016512.

Allele frequency attached by ClinVar (database versions not stated): gnomAD exomes below 0.00001.
gnomAD v4.1: 1 of 1,613,512 alleles (0.000062%); highest among the groups gnomAD compares: Non-Finnish European, 0.000085%; no homozygotes.

Submission:

Labcorp Genetics (formerly Invitae), Labcorp
Classification: Uncertain significance for Kabuki syndrome. Last evaluated: 2024-08-08. Review status: criteria provided, single submitter. Criteria: Invitae Variant Classification Sherloc (09022015). Collection method: clinical testing. Allele origin: germline.
Comment: This sequence change replaces proline, which is neutral and non-polar, with serine, which is neutral and polar, at codon 4584 of the KMT2D protein (p.Pro4584Ser). This variant is not present in population databases (gnomAD no frequency). This variant has not been reported in the literature in individuals affected with KMT2D-related conditions. Advanced modeling of protein sequence and biophysical properties (such as structural, functional, and spatial information, amino acid conservation, physicochemical variation, residue mobility, and thermodynamic stability) performed at Invitae indicates that this missense variant is not expected to disrupt KMT2D protein function with a negative predictive value of 95%. In summary, the available evidence is currently insufficient to determine the role of this variant in disease. Therefore, it has been classified as a Variant of Uncertain Significance.